The following is an entry in ClinVar:

NM_182916.3(TRNT1):c.945C>T (p.Ile315=)

Gene: TRNT1 (tRNA nucleotidyl transferase 1; plus strand). Cytogenetic location: 3p26.2.
Variant type: single nucleotide variant.
Coding change: c.945C>T on transcript NM_182916.3 (MANE Select); coding-DNA position 945, C replaced by T.
Protein change: p.Ile315=; no amino-acid change (isoleucine 315 retained).
Molecular consequence: synonymous variant. On other transcripts: non-coding transcript variant (8).
Genome position (GRCh38, 1-based): chr3:3,147,592, C>T. VCF-style: chr3-3147592-C-T. GRCh37 (hg19) VCF-style: chr3-3189276-C-T.
Other names: c.885C>T, p.Ile295= (NM_001302946.2); c.945C>T, p.Ile315= (NM_001367321.1, NM_001367322.1, NM_001367323.1 and 1 more transcripts).
Identifiers: ClinVar variation 516943 (VCV000516943.13), dbSNP rs150742431, ClinGen allele CA2228830.

ClinVar aggregate classification (germline): Benign/Likely benign. Review status: criteria provided, multiple submitters, no conflicts (2 of 4 stars). 4 submissions from 4 submitters: Benign (1); Likely benign (3). Last evaluated 2026-01-24.

Conditions:
Retinal dystrophy. Also called: Inherited retinal dystrophy. Identifiers: Orphanet 71862, MedGen C0854723, MeSH D058499, MONDO:0019118, HP:0000556.
Congenital sideroblastic anemia-B-cell immunodeficiency-periodic fever-developmental delay syndrome. Also called: Sideroblastic anemia with B-cell immunodeficiency, periodic fevers, and developmental delay. Identifiers: Orphanet 369861, MedGen C4015172, MONDO:0014487, OMIM 616084.

Allele frequency attached by ClinVar (database versions not stated): ExAC 0.00027; TOPMed 0.00097; gnomAD 0.00099 and 0.00100; 1000 Genomes Project 0.00140; 1000 Genomes Project 30x 0.00141; ESP Exome Variant Server 0.00169.

Submissions (4):

Labcorp Genetics (formerly Invitae), Labcorp
Classification: Benign for Congenital sideroblastic anemia-B-cell immunodeficiency-periodic fever-developmental delay syndrome. Last evaluated: 2026-01-24. Review status: criteria provided, single submitter. Criteria: Invitae Variant Classification Sherloc (09022015). Collection method: clinical testing. Allele origin: germline.

Blueprint Genetics
Classification: Likely benign. Last evaluated: 2024-11-04. Review status: criteria provided, single submitter. Criteria: ACMG Guidelines, 2015. Collection method: clinical testing. Allele origin: germline.

Dept Of Ophthalmology, Nagoya University
Classification: Likely benign for Retinal dystrophy. Last evaluated: 2023-10-01. Review status: criteria provided, single submitter. Criteria: Submitter's publication. Collection method: research. Allele origin: germline. Affected: yes.

GeneDx
Classification: Likely benign. Last evaluated: 2018-01-08. Review status: criteria provided, single submitter. Criteria: GeneDx Variant Classification (06012015). Collection method: clinical testing. Allele origin: germline. Affected: yes.
Comment: This variant is considered likely benign or benign based on one or more of the following criteria: it is a conservative change, it occurs at a poorly conserved position in the protein, it is predicted to be benign by multiple in silico algorithms, and/or has population frequency not consistent with disease.